The following is an entry in ClinVar:

NM_001371986.1(UNC80):c.8513C>G (p.Ser2838Cys)

Gene: UNC80 (unc-80 subunit of NALCN channel complex; plus strand). Cytogenetic location: 2q34.
Variant type: single nucleotide variant.
Coding change: c.8513C>G on transcript NM_001371986.1 (MANE Select); coding-DNA position 8513, C replaced by G.
Protein change: p.Ser2838Cys; replaces serine 2838 with cysteine.
Molecular consequence: missense variant.
Genome position (GRCh38, 1-based): chr2:209,973,196, C>G. VCF-style: chr2-209973196-C-G. GRCh37 (hg19) VCF-style: chr2-210837920-C-G.
Other names: c.8315C>G, p.Ser2772Cys (NM_032504.2); c.8300C>G, p.Ser2767Cys (NM_182587.4); short protein forms S2767C, S2772C, S2838C.
Identifiers: ClinVar variation 1805379 (VCV001805379.1), dbSNP rs918900619, ClinGen allele CA350413397.

ClinVar aggregate classification (germline): Uncertain significance (1 of 4 stars; one submission).

Conditions:
Hypotonia, infantile, with psychomotor retardation and characteristic facies 2 (IHPRF2). Also called: UNC80 Deficiency. Identifiers: Orphanet 371364, Orphanet 700333, MedGen C4225203, MONDO:0014777, OMIM 616801.

Submission:

Victorian Clinical Genetics Services, Murdoch Childrens Research Institute
Classification: Uncertain significance for Hypotonia, infantile, with psychomotor retardation and characteristic facies 2. Last evaluated: 2022-03-31. Review status: criteria provided, single submitter. Criteria: ACMG Guidelines, 2015. Collection method: clinical testing. Allele origin: germline. Inheritance: Autosomal recessive inheritance.
Comment: Based on the classification scheme VCGS_Germline_v1.3.4, this variant is classified as VUS-3B. Following criteria are met: 0102 - Loss of function is a known mechanism of disease in this gene and is associated with hypotonia, infantile, with psychomotor retardation and characteristic facies 2 (MIM#616801). (I) 0106 - This gene is associated with autosomal recessive disease. (I) 0200 - Variant is predicted to result in a missense amino acid change from serine to cysteine. (I) 0251 - This variant is heterozygous. (I) 0301 - Variant is absent from gnomAD (both v2 and v3). (SP) 0309 - An alternative amino acid change at the same position has been observed in gnomAD (v2: 1 heterozygote, 0 homozygotes). (I) 0501 - Missense variant consistently predicted to be damaging by multiple in silico tools or highly conserved with a major amino acid change. (SP) 0600 - Variant is located in the annotated UNC80_C domain (DECIPHER). (I) 0705 - No comparable missense variants have previous evidence for pathogenicity. (I) 0807 - This variant has no previous evidence of pathogenicity. (I) 0905 - No published segregation evidence has been identified for this variant. (I) 1007 - No published functional evidence has been identified for this variant. (I) Legend: (SP) - Supporting pathogenic, (I) - Information, (SB) - Supporting benign